The following is an entry in ClinVar:

NM_001875.5(CPS1):c.793C>A (p.Pro265Thr)

Gene: CPS1 (carbamoyl-phosphate synthase 1; plus strand). Cytogenetic location: 2q34.
Variant type: single nucleotide variant.
Coding change: c.793C>A on transcript NM_001875.5 (MANE Select); coding-DNA position 793, C replaced by A.
Protein change: p.Pro265Thr; replaces proline 265 with threonine.
Molecular consequence: missense variant. On other transcripts: non-coding transcript variant (1).
Genome position (GRCh38, 1-based): chr2:210,590,187, C>A. VCF-style: chr2-210590187-C-A. GRCh37 (hg19) VCF-style: chr2-211454911-C-A.
Other names: c.793C>A, p.Pro265Thr (NM_001122633.3, NM_001369257.1); c.826C>A, p.Pro276Thr (NM_001369256.1); short protein forms P276T, P265T.
Identifiers: ClinVar variation 1350243 (VCV001350243.3), dbSNP rs2106107745, ClinGen allele CA350429818.

ClinVar aggregate classification (germline): Uncertain significance (1 of 4 stars; one submission).

Conditions:
Congenital hyperammonemia, type I. Also called: Carbamoyl-phosphate synthase I deficiency; Carbamoyl phosphate synthetase 1 deficiency; Hyperammonemia due to carbamoyl phosphate synthetase 1 deficiency; CPS 1 deficiency; Carbamyl phosphate synthetase (CPS) deficiency; Carbamoyl phosphate synthetase I deficiency disease. Identifiers: Orphanet 147, MedGen C4082171, MONDO:0009376, OMIM 237300.

gnomAD v4.1: 1 of 1,612,834 alleles (0.000062%); highest among the groups gnomAD compares: Non-Finnish European, 0.000085%; no homozygotes.

Submission:

Labcorp Genetics (formerly Invitae), Labcorp
Classification: Uncertain significance for Congenital hyperammonemia, type I. Last evaluated: 2021-11-14. Review status: criteria provided, single submitter. Criteria: Invitae Variant Classification Sherloc (09022015). Collection method: clinical testing. Allele origin: germline.
Comment: This sequence change replaces proline, which is neutral and non-polar, with threonine, which is neutral and polar, at codon 265 of the CPS1 protein (p.Pro265Thr). This variant is not present in population databases (gnomAD no frequency). This missense change has been observed in individual(s) with clinical features of carbamoyl phosphate synthetase I deficiency (Invitae). In at least one individual the data is consistent with the variant being in trans (on the opposite chromosome) from a pathogenic variant. Algorithms developed to predict the effect of missense changes on protein structure and function are either unavailable or do not agree on the potential impact of this missense change (SIFT: "Deleterious"; PolyPhen-2: "Probably Damaging"; Align-GVGD: "Class C0"). This variant disrupts the p.Pro256 amino acid residue in CPS1. Other variant(s) that disrupt this residue have been observed in individuals with CPS1-related conditions (PMID: 22575620), which suggests that this may be a clinically significant amino acid residue. In summary, the available evidence is currently insufficient to determine the role of this variant in disease. Therefore, it has been classified as a Variant of Uncertain Significance.

Literature cited by the submitters: PubMed 22575620.